The following is an entry in ClinVar:

NM_000061.3(BTK):c.957_958del (p.Phe320fs)

Gene: BTK (Bruton tyrosine kinase; minus strand). Cytogenetic location: Xq22.1.
Variant type: Microsatellite.
Coding change: c.957_958del on transcript NM_000061.3 (MANE Select); coding-DNA positions 957 to 958, 2 bases deleted (GT; older notation c.957_958delGT).
Protein change: p.Phe320fs; shifts the reading frame from phenylalanine 320.
Molecular consequence: frameshift variant.
Genome position (GRCh38, 1-based): chrX:101,358,633-101,358,634, AC deleted on the plus strand (GT on the coding strand, the reverse complement: BTK is on the minus strand); deleting any 2 consecutive bases within chrX:101,358,633-101,358,637 gives the same sequence; the c. name uses the placement nearest the transcript's 3' end. VCF-style (leftmost placement, unchanged base first): chrX-101358632-AAC-A. GRCh37 (hg19) VCF-style: chrX-100613620-AAC-A.
Other names: c.1059_1060del, p.Phe354fs (NM_001287344.2); c.957_958del, p.Phe320fs (NM_001287345.2); short protein forms F320fs, F354fs.
Identifiers: ClinVar variation 2737297 (VCV002737297.3), dbSNP rs2520573512, ClinGen allele CA2695235478.

ClinVar aggregate classification (germline): Pathogenic (1 of 4 stars; one submission).

Conditions:
X-linked agammaglobulinemia with growth hormone deficiency (IGHD3). Also called: AGAMMAGLOBULINEMIA AND ISOLATED GROWTH HORMONE DEFICIENCY, X-LINKED; FLEISHER SYNDROME; Isolated growth hormone deficiency type 3; Growth hormone deficiency with hypogammaglobulinemia; HYPOGAMMAGLOBULINEMIA AND ISOLATED GROWTH HORMONE DEFICIENCY, X-LINKED; IGHD III. Identifiers: Orphanet 231692, Orphanet 631, MedGen C0472813, MONDO:0010615, OMIM 307200.

Submission:

Labcorp Genetics (formerly Invitae), Labcorp
Classification: Pathogenic for X-linked agammaglobulinemia with growth hormone deficiency. Last evaluated: 2023-01-05. Review status: criteria provided, single submitter. Criteria: Invitae Variant Classification Sherloc (09022015). Collection method: clinical testing. Allele origin: germline.
Comment: For these reasons, this variant has been classified as Pathogenic. This variant has not been reported in the literature in individuals affected with BTK-related conditions. This variant is not present in population databases (gnomAD no frequency). This sequence change creates a premature translational stop signal (p.Phe320Cysfs*2) in the BTK gene. It is expected to result in an absent or disrupted protein product. Loss-of-function variants in BTK are known to be pathogenic (PMID: 15661032, 16862044, 19419768).

Literature cited by the submitters: PubMed 15661032; PubMed 16862044; PubMed 19419768.